The following is an entry in ClinVar:

ClinVar aggregate classification (germline): Uncertain significance. Review status: criteria provided, multiple submitters, no conflicts (2 of 4 stars). 2 submissions from 2 submitters: Uncertain significance (2). Last evaluated 2026-04-24.

Conditions:
Inborn genetic diseases. Identifiers: MedGen C0950123, MeSH D030342.

gnomAD v4.1: 5 of 1,613,518 alleles (0.00031%); highest among the groups gnomAD compares: Non-Finnish European, 0.00042%; no homozygotes.

Submissions (2):

GeneDx
Classification: Uncertain significance. Last evaluated: 2026-04-24. Review status: criteria provided, single submitter. Criteria: GeneDx Variant Classification Process June 2021. Collection method: clinical testing. Allele origin: germline.
Comment: Not observed at significant frequency in large population cohorts (gnomAD); In silico analysis supports that this missense variant has a deleterious effect on protein structure/function; Has not been previously published as pathogenic or benign to our knowledge

Ambry Genetics
Classification: Uncertain significance for Inborn genetic diseases. Last evaluated: 2025-10-02. Review status: criteria provided, single submitter. Criteria: Ambry Variant Classification Scheme 2023. Collection method: clinical testing. Allele origin: germline.
Comment: The c.1843C>G (p.L615V) alteration is located in exon 15 (coding exon 15) of the COG4 gene. This alteration results from a C to G substitution at nucleotide position 1843, causing the leucine (L) at amino acid position 615 to be replaced by a valine (V). Based on data from gnomAD, the G allele has an overall frequency of <0.001% (1/251082) total alleles studied. The highest observed frequency was 0.001% (1/113468) of European (non-Finnish) alleles. Based on insufficient or conflicting evidence, the clinical significance of this alteration remains unclear.

NM_015386.3(COG4):c.1843C>G (p.Leu615Val)

Gene: COG4 (component of oligomeric golgi complex 4; minus strand). Cytogenetic location: 16q22.1.
Variant type: single nucleotide variant.
Coding change: c.1843C>G on transcript NM_015386.3 (MANE Select); coding-DNA position 1843, C replaced by G.
Protein change: p.Leu615Val; replaces leucine 615 with valine.
Molecular consequence: missense variant. On other transcripts: non-coding transcript variant (1).
Genome position (GRCh38, 1-based): chr16:70,482,806, G>C on the plus strand (C>G on the coding strand, the complement: COG4 is on the minus strand). VCF-style: chr16-70482806-G-C. GRCh37 (hg19) VCF-style: chr16-70516709-G-C.
Other names: c.1768C>G, p.Leu590Val (NM_001195139.2); c.1417C>G, p.Leu473Val (NM_001365426.1); short protein forms L473V, L590V, L615V.
Identifiers: ClinVar variation 4616096 (VCV004616096.2).